The following is an entry in ClinVar:

ClinVar aggregate classification (germline): Benign (3 of 4 stars; one submission).

Conditions:
Breast-ovarian cancer, familial, susceptibility to, 1 (BROVCA1). Also called: BRCA1 Hereditary Breast and Ovarian Cancer; OVARIAN CANCER, SUSCEPTIBILITY TO. Identifiers: Orphanet 145, MedGen C2676676, MONDO:0011450, OMIM 604370. Disease mechanism: loss of function.

Allele frequency attached by ClinVar (database versions not stated): gnomAD exomes 0.00279; gnomAD 0.01489 and 0.01578; TOPMed 0.01720; 1000 Genomes Project 0.01797; 1000 Genomes Project 30x 0.01936.
gnomAD v4.1: 2,432 of 216,752 alleles (1.1%); highest among the groups gnomAD compares: African/African-American, 5.1%; 51 homozygotes.

Submission:

Evidence-based Network for the Interpretation of Germline Mutant Alleles (ENIGMA)
Classification: Benign for Breast-ovarian cancer, familial 1. Last evaluated: 2015-01-12. Review status: reviewed by expert panel. Criteria: ENIGMA BRCA1/2 Classification Criteria (2015). Collection method: curation. Allele origin: germline.
Comment: Class 1 not pathogenic based on frequency >1% in an outbred sampleset. Frequency 0.05691 (African), derived from 1000 genomes (2012-04-30).

NM_007294.4(BRCA1):c.81-3255C>T

Gene: BRCA1 (BRCA1 DNA repair associated; minus strand). Cytogenetic location: 17q21.31.
Variant type: single nucleotide variant.
Coding change: c.81-3255C>T on transcript NM_007294.4 (MANE Select); 3255 bases into the intron before coding-DNA position 81, C replaced by T.
Molecular consequence: intron variant.
Genome position (GRCh38, 1-based): chr17:43,119,034, G>A on the plus strand (C>T on the coding strand, the complement: BRCA1 is on the minus strand). VCF-style: chr17-43119034-G-A. GRCh37 (hg19) VCF-style: chr17-41271051-G-A.
Other names: IVS 2-3255C>T; c.-55+4983C>T (NM_001407898.1, NM_001407881.1, NM_001407902.1); c.-8+4983C>T (NM_001407932.1, NM_001408464.1, NM_001407742.1 and 23 more transcripts); c.81-3255C>T (NM_001408475.1, NM_001407875.1, NM_001407659.1 and 191 more transcripts); c.-108-3255C>T (NM_001408509.1, NM_001408508.1, NM_001408491.1 and 48 more transcripts); c.-224-3255C>T (NM_001408492.1, NM_001407889.1, NM_001407900.1); c.-177-3255C>T (NM_001408468.1, NM_001407842.1, NM_001407749.1 and 12 more transcripts); c.-181-3255C>T (NM_001407695.1, NM_001408465.1); and 17 more.
Identifiers: ClinVar variation 209553 (VCV000209553.2), dbSNP rs73321445, ClinGen allele CA276522.
Genomic context (GRCh38, chr17:43,119,034, plus strand): 5'-CAGGCTGGTCTTGAAGTCCTGACCTCAAGTGATCCATCTGCCTCGACCGGGATTACAGGC[G>A]TGAGCCACTACACTTAGCTCTAAATGTGAATTTTTGAAACGGATTTTTTGGATAAAGTCC-3'